The following is an entry in ClinVar:

NM_001070.5(TUBG1):c.821C>A (p.Thr274Asn)

Gene: TUBG1 (tubulin gamma 1; plus strand). Cytogenetic location: 17q21.2.
Variant type: single nucleotide variant.
Coding change: c.821C>A on transcript NM_001070.5 (MANE Select); coding-DNA position 821, C replaced by A.
Protein change: p.Thr274Asn; replaces threonine 274 with asparagine.
Molecular consequence: missense variant.
Genome position (GRCh38, 1-based): chr17:42,613,976, C>A. VCF-style: chr17-42613976-C-A. GRCh37 (hg19) VCF-style: chr17-40765994-C-A.
Other names: short protein forms T274N.
Identifiers: ClinVar variation 1526152 (VCV001526152.1), dbSNP rs1803693, ClinGen allele CA399627165.
Genomic context (GRCh38, chr17:42,613,976, plus strand): 5'-TCGGCCTCATCGCCTCGCTCATTCCCACCCCACGGCTCCACTTCCTCATGACCGGCTACA[C>A]CCCTCTCACTACGGACCAGTCAGTAAGAGCAGCCTTCAGTGTCCCAGGCCAGGCCGGCCC-3'
Protein context (NP_001061.2, residues 264-284): PRLHFLMTGY[Thr274Asn]PLTTDQSVAS

ClinVar aggregate classification (germline): Likely pathogenic (1 of 4 stars; one submission).

Conditions:
Complex cortical dysplasia with other brain malformations 4. Identifiers: MedGen C3809420, MONDO:0014171, OMIM 615412.

Submission:

3billion
Classification: Likely pathogenic for Complex cortical dysplasia with other brain malformations 4. Last evaluated: 2022-03-22. Review status: criteria provided, single submitter. Criteria: ACMG Guidelines, 2015. Collection method: clinical testing. Allele origin: germline. Affected: yes. Observed: 1 heterozygote.
Comment: A different missense change at the same codon has been reported as pathogenic/likely pathogenic with strong evidence (ClinVar ID: VCV000392052). In silico tool predictions suggest damaging effect of the variant on gene or gene product (REVEL: 0.726>=0.6). A missense variant is a common mechanism associated with Cortical dysplasia, complex, with other brain malformations 4. It is not observed in the gnomAD v2.1.1 dataset. Therefore, this variant is classified as likely pathogenic according to the recommendation of ACMG/AMP guideline.